The following is an entry in ClinVar:

NM_013339.4(ALG6):c.446G>C (p.Cys149Ser)

Gene: ALG6 (ALG6 alpha-1,3-glucosyltransferase; plus strand). Cytogenetic location: 1p31.3.
Variant type: single nucleotide variant.
Coding change: c.446G>C on transcript NM_013339.4 (MANE Select); coding-DNA position 446, G replaced by C.
Protein change: p.Cys149Ser; replaces cysteine 149 with serine.
Molecular consequence: missense variant.
Genome position (GRCh38, 1-based): chr1:63,407,078, G>C. VCF-style: chr1-63407078-G-C. GRCh37 (hg19) VCF-style: chr1-63872749-G-C.
Other names: short protein forms C149S.
Identifiers: ClinVar variation 1475623 (VCV001475623.6), dbSNP rs2100417551, ClinGen allele CA340634697.

ClinVar aggregate classification (germline): Uncertain significance (1 of 4 stars; one submission).

Conditions:
ALG6-congenital disorder of glycosylation 1C (CDG1C). Also called: Congenital disorder of glycosylation, type Ic; CARBOHYDRATE-DEFICIENT GLYCOPROTEIN SYNDROME, TYPE I, WITH DEFICIENT GLYCOSYLATION OF DOLICHOL-LINKED OLIGOSACCHARIDE; CARBOHYDRATE-DEFICIENT GLYCOPROTEIN SYNDROME, TYPE V; Congenital disorder of glycosylation type 1C; CDG Ic. Identifiers: Orphanet 79320, MedGen C2930997, MONDO:0011291, OMIM 603147.

Submission:

Labcorp Genetics (formerly Invitae), Labcorp
Classification: Uncertain significance for ALG6-congenital disorder of glycosylation 1C. Last evaluated: 2023-07-03. Review status: criteria provided, single submitter. Criteria: Invitae Variant Classification Sherloc (09022015). Collection method: clinical testing. Allele origin: germline.
Comment: Advanced modeling of protein sequence and biophysical properties (such as structural, functional, and spatial information, amino acid conservation, physicochemical variation, residue mobility, and thermodynamic stability) performed at Invitae indicates that this missense variant is not expected to disrupt ALG6 protein function. In summary, the available evidence is currently insufficient to determine the role of this variant in disease. Therefore, it has been classified as a Variant of Uncertain Significance. ClinVar contains an entry for this variant (Variation ID: 1475623). This variant has not been reported in the literature in individuals affected with ALG6-related conditions. This variant is not present in population databases (gnomAD no frequency). This sequence change replaces cysteine, which is neutral and slightly polar, with serine, which is neutral and polar, at codon 149 of the ALG6 protein (p.Cys149Ser).